The following is an entry in ClinVar:

ClinVar aggregate classification (germline): Uncertain significance (1 of 4 stars; one submission).

Conditions:
Hereditary cancer-predisposing syndrome. Also called: Hereditary Cancer Syndrome; Hereditary neoplastic syndrome; Neoplastic Syndromes, Hereditary; Tumor predisposition. Identifiers: Orphanet 140162, MedGen C0027672, MeSH D009386, MONDO:0015356.

gnomAD v4.1: 1 of 1,614,182 alleles (0.000062%); highest among the groups gnomAD compares: Non-Finnish European, 0.000085%; no homozygotes.

Submission:

Ambry Genetics
Classification: Uncertain significance for Hereditary cancer-predisposing syndrome. Last evaluated: 2020-03-19. Review status: criteria provided, single submitter. Criteria: Ambry Variant Classification Scheme 2023. Collection method: clinical testing. Allele origin: germline.
Comment: The c.4444+4T>C intronic variant results from a T to C substitution 4 nucleotides after coding exon 34 in the POLE gene. This nucleotide position is poorly conserved in available vertebrate species. Using the BDGP and ESEfinder splice site prediction tools, this alteration is not predicted to have any significant effect on this splice donor site; however, direct evidence is unavailable. Since supporting evidence is limited at this time, the clinical significance of this alteration remains unclear.

NM_006231.4(POLE):c.4444+4T>C

Gene: POLE (DNA polymerase epsilon, catalytic subunit; minus strand). Cytogenetic location: 12q24.33.
Variant type: single nucleotide variant.
Coding change: c.4444+4T>C on transcript NM_006231.4 (MANE Select); 4 bases into the intron after coding-DNA position 4444, T replaced by C.
Molecular consequence: intron variant.
Genome position (GRCh38, 1-based): chr12:132,643,403, A>G on the plus strand (T>C on the coding strand, the complement: POLE is on the minus strand). VCF-style: chr12-132643403-A-G. GRCh37 (hg19) VCF-style: chr12-133219989-A-G.
Identifiers: ClinVar variation 1740641 (VCV001740641.2), dbSNP rs5744941, ClinGen allele CA2580086088.